The following is an entry in ClinVar:

NM_212482.4(FN1):c.4948A>C (p.Ser1650Arg)

Gene: FN1 (fibronectin 1; minus strand). Cytogenetic location: 2q35.
Variant type: single nucleotide variant.
Coding change: c.4948A>C on transcript NM_212482.4 (MANE Select); coding-DNA position 4948, A replaced by C.
Protein change: p.Ser1650Arg; replaces serine 1650 with arginine.
Molecular consequence: missense variant.
Genome position (GRCh38, 1-based): chr2:215,383,430, T>G on the plus strand (A>C on the coding strand, the complement: FN1 is on the minus strand). VCF-style: chr2-215383430-T-G. GRCh37 (hg19) VCF-style: chr2-216248153-T-G.
Other names: c.4948A>C (NM_212482.1); c.4948A>C, p.Ser1650Arg (NM_001306129.2, NM_001306130.2, NM_001365517.2 and 3 more transcripts); c.4675A>C, p.Ser1559Arg (NM_001306131.2, NM_001306132.2, NM_001365518.2 and 7 more transcripts); short protein forms S1559R, S1650R.
Identifiers: ClinVar variation 1927272 (VCV001927272.7), dbSNP rs776472843, ClinGen allele CA2094278.

ClinVar aggregate classification (germline): Uncertain significance. Review status: criteria provided, multiple submitters, no conflicts (2 of 4 stars). 3 submissions from 3 submitters: Uncertain significance (3). Last evaluated 2024-12-26.

Conditions:
Spondylometaphyseal dysplasia - Sutcliffe type. Also called: Spondylometaphyseal Dysplasia, Corner Fracture Type; Sutcliffe type of spondylometaphyseal dysplasia; Sutcliffe SMD; Spondylometaphyseal dysplasia, 'corner fracture' type. Identifiers: Orphanet 93315, MedGen C0432221, MONDO:0008479, OMIM 184255.
Glomerulopathy with fibronectin deposits 2 (GFND2). Identifiers: Orphanet 84090, MedGen C1866075, MONDO:0011165, OMIM 601894.
Inborn genetic diseases. Identifiers: MedGen C0950123, MeSH D030342.

Allele frequency attached by ClinVar (database versions not stated): TOPMed below 0.00001; ExAC 0.00001.
gnomAD v4.1: 3 of 1,614,122 alleles (0.00019%); highest among the groups gnomAD compares: Admixed American, 0.005%; no homozygotes.

Submissions (3):

Labcorp Genetics (formerly Invitae), Labcorp
Classification: Uncertain significance. Last evaluated: 2024-12-26. Review status: criteria provided, single submitter. Criteria: Invitae Variant Classification Sherloc (09022015). Collection method: clinical testing. Allele origin: germline.
Comment: This sequence change replaces serine, which is neutral and polar, with arginine, which is basic and polar, at codon 1650 of the FN1 protein (p.Ser1650Arg). This variant is present in population databases (rs776472843, gnomAD 0.006%). This variant has not been reported in the literature in individuals affected with FN1-related conditions. ClinVar contains an entry for this variant (Variation ID: 1927272). An algorithm developed to predict the effect of missense changes on protein structure and function (PolyPhen-2) suggests that this variant is likely to be tolerated. In summary, the available evidence is currently insufficient to determine the role of this variant in disease. Therefore, it has been classified as a Variant of Uncertain Significance.

Ambry Genetics
Classification: Uncertain significance for Inborn genetic diseases. Last evaluated: 2024-11-20. Review status: criteria provided, single submitter. Criteria: Ambry Variant Classification Scheme 2023. Collection method: clinical testing. Allele origin: germline.

Fulgent Genetics
Classification: Uncertain significance for Spondylometaphyseal dysplasia - Sutcliffe type; Glomerulopathy with fibronectin deposits 2. Last evaluated: 2024-01-10. Review status: criteria provided, single submitter. Criteria: ACMG Guidelines, 2015. Collection method: clinical testing. Allele origin: germline.